The following is an entry in ClinVar:

ClinVar aggregate classification (germline): Pathogenic. Review status: criteria provided, multiple submitters, no conflicts (2 of 4 stars). 2 submissions from 2 submitters: Pathogenic (2). Last evaluated 2022-01-03.

Conditions:
Early-infantile DEE. Also called: Early infantile epileptic encephalopathy; Ohtahara syndrome; Early infantile epileptic encephalopathy with suppression bursts. Identifiers: Orphanet 1934, MedGen C0393706, MONDO:0800491.
Severe myoclonic epilepsy in infancy (DRVT). Also called: Epileptic encephalopathy, early infantile, 6 (Dravet syndrome); SEVERE MYOCLONIC EPILEPSY OF INFANCY; DEVELOPMENTAL AND EPILEPTIC ENCEPHALOPATHY 6A; Severe Myoclonic Epilepsy in Infancy (SMEI); Dravet syndrome. Identifiers: Orphanet 33069, MedGen C0751122, MONDO:0100135, OMIM 607208.

Submissions (2):

Labcorp Genetics (formerly Invitae), Labcorp
Classification: Pathogenic for Early-infantile DEE. Last evaluated: 2022-01-03. Review status: criteria provided, single submitter. Criteria: Invitae Variant Classification Sherloc (09022015). Collection method: clinical testing. Allele origin: germline.
Comment: For these reasons, this variant has been classified as Pathogenic. Advanced modeling of protein sequence and biophysical properties (such as structural, functional, and spatial information, amino acid conservation, physicochemical variation, residue mobility, and thermodynamic stability) performed at Invitae indicates that this missense variant is expected to disrupt SCN1A protein function. ClinVar contains an entry for this variant (Variation ID: 190016). This variant is also known as c.2849G>A (G950E). This missense change has been observed in individual(s) with severe myoclonic epilepsy of infancy (PMID: 17347258). In at least one individual the variant was observed to be de novo. This variant is not present in population databases (gnomAD no frequency). This sequence change replaces glycine, which is neutral and non-polar, with glutamic acid, which is acidic and polar, at codon 979 of the SCN1A protein (p.Gly979Glu).

Center for Bioinformatics, Peking University
Classification: Pathogenic for Dravet syndrome. Last evaluated: 2014-12-20. Review status: criteria provided, single submitter. Criteria: Xu et al. (Hum Mutat. 2015). Collection method: research. Allele origin: de novo. Affected: yes. Observed: 1 variant allele. Study: University Clinical Cooperation “985 Project” PKU-2014-1-1.
Comment: Dravet syndrome (DS) probands were recruited from the outpatient and inpatient child neurology units of Peking University First Hospital from 2005 till present. The study was approved by the Ethics Committee of Peking University First Hospital and the Institutional Review Board at Peking University. Participants or their parents provided written informed consent before enrollment. We collected a total of 267 mutations from 255 families with probands diagnosed with DS in China. All probands fulfilled the clinical diagnostic criteria.

Literature cited by the submitters: PubMed 17347258 (cited by Labcorp Genetics (formerly Invitae), Labcorp).

NM_001165963.4(SCN1A):c.2936G>A (p.Gly979Glu)

Gene: SCN1A (sodium voltage-gated channel alpha subunit 1; minus strand). Cytogenetic location: 2q24.3.
Variant type: single nucleotide variant.
Coding change: c.2936G>A on transcript NM_001165963.4 (MANE Select); coding-DNA position 2936, G replaced by A.
Protein change: p.Gly979Glu; replaces glycine 979 with glutamic acid.
Molecular consequence: missense variant. On other transcripts: non-coding transcript variant (1).
Genome position (GRCh38, 1-based): chr2:166,037,786, C>T on the plus strand (G>A on the coding strand, the complement: SCN1A is on the minus strand). VCF-style: chr2-166037786-C-T. GRCh37 (hg19) VCF-style: chr2-166894296-C-T.
Other names: c.2852G>A, p.Gly951Glu (NM_001165964.3, NM_001353957.2, NM_001353958.2); c.2936G>A, p.Gly979Glu (NM_001202435.3, NM_001353948.2); c.2903G>A, p.Gly968Glu (NM_001353949.2, NM_001353950.2, NM_001353951.2 and 2 more transcripts); c.2900G>A, p.Gly967Glu (NM_001353954.2, NM_001353955.2); c.2849G>A, p.Gly950Glu (NM_001353960.2); c.494G>A, p.Gly165Glu (NM_001353961.2); short protein forms G968E, G979E, G951E, G165E, G950E, G967E.
Identifiers: ClinVar variation 190016 (VCV000190016.6), dbSNP rs794726842, ClinGen allele CA303559.